The following is an entry in ClinVar:

ClinVar aggregate classification (germline): Uncertain significance (1 of 4 stars; one submission).

Conditions:
Diffuse cerebral and cerebellar atrophy - intractable seizures - progressive microcephaly syndrome. Also called: Microcephaly, progressive, with seizures and cerebral and cerebellar atrophy. Identifiers: Orphanet 404437, MedGen C4014239, MONDO:0014335, OMIM 615760.

Submission:

Labcorp Genetics (formerly Invitae), Labcorp
Classification: Uncertain significance for Diffuse cerebral and cerebellar atrophy - intractable seizures - progressive microcephaly syndrome. Last evaluated: 2024-10-30. Review status: criteria provided, single submitter. Criteria: Invitae Variant Classification Sherloc (09022015). Collection method: clinical testing. Allele origin: germline.
Comment: This sequence change replaces isoleucine, which is neutral and non-polar, with valine, which is neutral and non-polar, at codon 448 of the QARS protein (p.Ile448Val). This variant is not present in population databases (gnomAD no frequency). This variant has not been reported in the literature in individuals affected with QARS-related conditions. ClinVar contains an entry for this variant (Variation ID: 861737). Invitae Evidence Modeling of protein sequence and biophysical properties (such as structural, functional, and spatial information, amino acid conservation, physicochemical variation, residue mobility, and thermodynamic stability) has been performed for this missense variant. However, the output from this modeling did not meet the statistical confidence thresholds required to predict the impact of this variant on QARS protein function. In summary, the available evidence is currently insufficient to determine the role of this variant in disease. Therefore, it has been classified as a Variant of Uncertain Significance.

NM_005051.3(QARS1):c.1342A>G (p.Ile448Val)

Gene: QARS1 (glutaminyl-tRNA synthetase 1; minus strand). Cytogenetic location: 3p21.31.
Variant type: single nucleotide variant.
Coding change: c.1342A>G on transcript NM_005051.3 (MANE Select); coding-DNA position 1342, A replaced by G.
Protein change: p.Ile448Val; replaces isoleucine 448 with valine.
Molecular consequence: missense variant. On other transcripts: non-coding transcript variant (1).
Genome position (GRCh38, 1-based): chr3:49,099,807, T>C on the plus strand (A>G on the coding strand, the complement: QARS1 is on the minus strand). VCF-style: chr3-49099807-T-C. GRCh37 (hg19) VCF-style: chr3-49137240-T-C.
Other names: c.1309A>G, p.Ile437Val (NM_001272073.2); short protein forms I448V, I437V.
Identifiers: ClinVar variation 861737 (VCV000861737.6), dbSNP rs2042443370, ClinGen allele CA352707711.